The following is an entry in ClinVar:

NM_000875.5(IGF1R):c.*5151T>C

Gene: IGF1R (insulin like growth factor 1 receptor; plus strand). Cytogenetic location: 15q26.3.
Variant type: single nucleotide variant.
Coding change: c.*5151T>C on transcript NM_000875.5 (MANE Select); 5151 bases downstream of the stop codon, T replaced by C.
Molecular consequence: 3 prime UTR variant.
Genome position (GRCh38, 1-based): chr15:98,962,593, T>C. VCF-style: chr15-98962593-T-C. GRCh37 (hg19) VCF-style: chr15-99505822-T-C.
Other names: c.*5151T>C (NM_001291858.2).
Identifiers: ClinVar variation 317599 (VCV000317599.6), dbSNP rs28393861, ClinGen allele CA10646791.
Genomic context (GRCh38, chr15:98,962,593, plus strand): 5'-CCTTGGACAGGTCAGAGGGTTTCATTTTTGGCCTTCATCTTAGATGACTGGTTGCGTCAT[T>C]TGGAGAAGTGAGTGCTCCTTGATGGTGGAATGACCGGGTGGTGGGTACAGAACCATTGTC-3'

ClinVar aggregate classification (germline): Benign. Review status: criteria provided, multiple submitters, no conflicts (2 of 4 stars). 2 submissions from 2 submitters: Benign (2). Last evaluated 2018-01-13.

Conditions:
Growth delay due to insulin-like growth factor I resistance. Also called: Somatomedin end-organ insensitivity to; Somatomedin-c resistance to; IGF-1 resistance; IGF-I RESISTANCE; Insulin-Like Growth Factor I Resistance. Identifiers: Orphanet 73273, MedGen C1849157, MONDO:0010038, OMIM 270450.

Allele frequency attached by ClinVar (database versions not stated): 1000 Genomes Project 0.01358; 1000 Genomes Project 30x 0.01390; gnomAD exomes 0.01771; gnomAD 0.01830 and 0.01885; TOPMed 0.01857.
gnomAD v4.1: 4,259 of 233,772 alleles (1.8%); highest among the groups gnomAD compares: Middle Eastern, 3.7%; 50 homozygotes.

Submissions (2):

Illumina Laboratory Services, Illumina
Classification: Benign for Growth delay due to insulin-like growth factor I resistance. Last evaluated: 2018-01-13. Review status: criteria provided, single submitter. Criteria: ICSL Variant Classification Criteria 13 December 2019. Collection method: clinical testing. Allele origin: germline.
Comment: This variant was observed in the ICSL laboratory as part of a predisposition screen in an ostensibly healthy population. It had not been previously curated by ICSL or reported in the Human Gene Mutation Database (HGMD: prior to June 1st, 2018), and was therefore a candidate for classification through an automated scoring system. Utilizing variant allele frequency, disease prevalence and penetrance estimates, and inheritance mode, an automated score was calculated to assess if this variant is too frequent to cause the disease. Based on the score and internal cut-off values, a variant classified as benign is not then subjected to further curation. The score for this variant resulted in a classification of benign for this disease.

Breakthrough Genomics
Classification: Benign. Review status: criteria provided, single submitter. Criteria: ACMG Guidelines, 2015. Collection method: not provided. Allele origin: germline. Inheritance: Autosomal dominant inheritance. Affected: yes.